The following is an entry in ClinVar:

NM_203447.4(DOCK8):c.5505A>G (p.Gln1835=)

Gene: DOCK8 (dedicator of cytokinesis 8; plus strand). Cytogenetic location: 9p24.3.
Variant type: single nucleotide variant.
Coding change: c.5505A>G on transcript NM_203447.4 (MANE Select); coding-DNA position 5505, A replaced by G.
Protein change: p.Gln1835=; no amino-acid change (glutamine 1835 retained).
Molecular consequence: synonymous variant.
Genome position (GRCh38, 1-based): chr9:443,441, A>G. VCF-style: chr9-443441-A-G. GRCh37 (hg19) VCF-style: chr9-443441-A-G.
Other names: c.5205A>G, p.Gln1735= (NM_001190458.2); c.5301A>G, p.Gln1767= (NM_001193536.2).
Identifiers: ClinVar variation 3025278 (VCV003025278.22), dbSNP rs780008672, ClinGen allele CA4959450.

ClinVar aggregate classification (germline): Likely benign (1 of 4 stars; one submission).

Allele frequency attached by ClinVar (database versions not stated): gnomAD 0.00001; gnomAD exomes 0.00001; ExAC 0.00002; TOPMed 0.00002.
gnomAD v4.1: 18 of 1,613,998 alleles (0.0011%); highest among the groups gnomAD compares: South Asian, 0.0055%; no homozygotes.

Submission:

CeGaT Center for Human Genetics Tuebingen
Classification: Likely benign. Last evaluated: 2024-01-01. Review status: criteria provided, single submitter. Criteria: CeGaT Center For Human Genetics Tuebingen Variant Classification Criteria Version 2. Collection method: clinical testing. Allele origin: germline. Affected: yes. Observed: 1 variant allele.
Comment: DOCK8: BP4, BP7